The following is an entry in ClinVar:

NM_003748.4(ALDH4A1):c.413C>T (p.Pro138Leu)

Gene: ALDH4A1 (aldehyde dehydrogenase 4 family member A1; minus strand). Cytogenetic location: 1p36.13.
Variant type: single nucleotide variant.
Coding change: c.413C>T on transcript NM_003748.4 (MANE Select); coding-DNA position 413, C replaced by T.
Protein change: p.Pro138Leu; replaces proline 138 with leucine.
Molecular consequence: missense variant.
Genome position (GRCh38, 1-based): chr1:18,885,513, G>A on the plus strand (C>T on the coding strand, the complement: ALDH4A1 is on the minus strand). VCF-style: chr1-18885513-G-A. GRCh37 (hg19) VCF-style: chr1-19212007-G-A.
Other names: c.233C>T, p.Pro78Leu (NM_001161504.2); c.413C>T, p.Pro138Leu (NM_001319218.2, NM_170726.3); c.413C>T (NM_170726.2); short protein forms P138L, P78L.
Identifiers: ClinVar variation 294391 (VCV000294391.42), dbSNP rs139640415, ClinGen allele CA647374.
Genomic context (GRCh38, chr1:18,885,513, plus strand): 5'-CGGGCCCACCAGCACCTCACCTGTCCCACCATGGTCTTGGCGAGGATCTCAGCCCTGCGC[G>A]GCCCACTCAGCATGTCTGCCGCCTTCAGGAAGATCTGGGCCCGGTCTGCAATAGGCTTCA-3'
Protein context (NP_003739.2, residues 128-148): FLKAADMLSG[Pro138Leu]RRAEILAKTM

ClinVar aggregate classification (germline): Conflicting classifications of pathogenicity. Review status: criteria provided, conflicting classifications (1 of 4 stars). 5 submissions from 5 submitters: Uncertain significance (1); Benign (1); Likely benign (1). 2 of the submissions do not count toward it. Last evaluated 2025-12-18.

Conditions:
ALDH4A1-related disorder. Also called: ALDH4A1-related condition.
Hyperprolinemia type 2 (HYRPRO2). Also called: Deficiency of pyrroline-5-carboxylate reductase; 1-PYRROLINE-5-CARBOXYLATE DEHYDROGENASE DEFICIENCY; Delta-1-pyrroline-5-carboxylate dehydrogenase deficiency. Identifiers: Orphanet 79101, MedGen C2931835, MONDO:0009401, OMIM 239510.
Intellectual disability. Also called: Intellectual functioning disability; intellectual disabilities; Intellectual developmental disorder. Identifiers: MedGen C3714756, MeSH D008607, MONDO:0001071, HP:0001249.

Allele frequency attached by ClinVar (database versions not stated): 1000 Genomes Project 30x 0.00109; 1000 Genomes Project 0.00120; ESP Exome Variant Server 0.00185; TOPMed 0.00221; gnomAD 0.00240 and 0.00249; ExAC 0.00330.

Submissions (5):

Labcorp Genetics (formerly Invitae), Labcorp
Classification: Benign for Hyperprolinemia type 2. Last evaluated: 2025-12-18. Review status: criteria provided, single submitter. Criteria: Invitae Variant Classification Sherloc (09022015). Collection method: clinical testing. Allele origin: germline.

CeGaT Center for Human Genetics Tuebingen
Classification: Likely benign. Last evaluated: 2022-11-01. Review status: criteria provided, single submitter. Criteria: CeGaT Center For Human Genetics Tuebingen Variant Classification Criteria Version 2. Collection method: clinical testing. Allele origin: germline. Affected: yes. Observed: 2 variant alleles.
Comment: ALDH4A1: BP4

Illumina Laboratory Services, Illumina
Classification: Uncertain significance for Hyperprolinemia type 2. Last evaluated: 2018-01-13. Review status: criteria provided, single submitter. Criteria: ICSL Variant Classification Criteria 13 December 2019. Collection method: clinical testing. Allele origin: germline.

PreventionGenetics, part of Exact Sciences
Classification: Likely benign for ALDH4A1-related condition. Last evaluated: 2022-12-01. Review status: no assertion criteria provided. Collection method: clinical testing. Allele origin: germline. Not counted in ClinVar's aggregate classification.
Comment: This variant is classified as likely benign based on ACMG/AMP sequence variant interpretation guidelines (Richards et al. 2015 PMID: 25741868, with internal and published modifications).

Centre de Biologie Pathologie Génétique, Centre Hospitalier Universitaire de Lille
Classification: Uncertain significance for Intellectual disability. Last evaluated: 2019-01-01. Review status: no assertion criteria provided. Collection method: clinical testing. Allele origin: unknown. Affected: yes. Not counted in ClinVar's aggregate classification.